The following is an entry in ClinVar:

ClinVar aggregate classification (germline): Uncertain significance (1 of 4 stars; one submission).

Submission:

GeneDx
Classification: Uncertain significance. Last evaluated: 2022-05-13. Review status: criteria provided, single submitter. Criteria: GeneDx Variant Classification Process June 2021. Collection method: clinical testing. Allele origin: germline. Affected: yes.
Comment: Not observed at significant frequency in large population cohorts (gnomAD); In silico analysis supports that this missense variant has a deleterious effect on protein structure/function; In silico analysis, which includes splice predictors and evolutionary conservation, suggests this variant may impact gene splicing. In the absence of RNA/functional studies, the actual effect of this sequence change is unknown.; Has not been previously published as pathogenic or benign to our knowledge

NM_014991.6(WDFY3):c.5512G>A (p.Glu1838Lys)

Gene: WDFY3 (WD repeat and FYVE domain containing 3; minus strand). Cytogenetic location: 4q21.23.
Variant type: single nucleotide variant.
Coding change: c.5512G>A on transcript NM_014991.6 (MANE Select); coding-DNA position 5512, G replaced by A.
Protein change: p.Glu1838Lys; replaces glutamic acid 1838 with lysine.
Molecular consequence: missense variant.
Genome position (GRCh38, 1-based): chr4:84,755,313, C>T on the plus strand (G>A on the coding strand, the complement: WDFY3 is on the minus strand). VCF-style: chr4-84755313-C-T. GRCh37 (hg19) VCF-style: chr4-85676466-C-T.
Other names: short protein forms E1838K.
Identifiers: ClinVar variation 1723708 (VCV001723708.2), dbSNP rs2532497092, ClinGen allele CA357562888.